The following is an entry in ClinVar:

NM_198428.3(BBS9):c.1367A>G (p.Lys456Arg)

Gene: BBS9 (Bardet-Biedl syndrome 9; plus strand). Cytogenetic location: 7p14.3.
Variant type: single nucleotide variant.
Coding change: c.1367A>G on transcript NM_198428.3 (MANE Select); coding-DNA position 1367, A replaced by G.
Protein change: p.Lys456Arg; replaces lysine 456 with arginine.
Molecular consequence: missense variant. On other transcripts: non-coding transcript variant (3).
Genome position (GRCh38, 1-based): chr7:33,349,105, A>G. VCF-style: chr7-33349105-A-G. GRCh37 (hg19) VCF-style: chr7-33388717-A-G.
Other names: c.1367A>G, p.Lys456Arg (NM_001033604.2, NM_001033605.2, NM_001348036.1 and 5 more transcripts); c.1001A>G, p.Lys334Arg (NM_001348037.3, NM_001348044.3, NM_001348045.3 and 1 more transcripts); c.1094A>G, p.Lys365Arg (NM_001348038.3, NM_001348039.3); c.1232A>G, p.Lys411Arg (NM_001348042.3); short protein forms K411R, K456R, K365R, K334R.
Identifiers: ClinVar variation 1394179 (VCV001394179.3), dbSNP rs2128661224, ClinGen allele CA367255514.

ClinVar aggregate classification (germline): Uncertain significance (1 of 4 stars; one submission).

Conditions:
Bardet-Biedl syndrome (BBS). Identifiers: Orphanet 110, MedGen C0752166, MONDO:0015229.

Submission:

Labcorp Genetics (formerly Invitae), Labcorp
Classification: Uncertain significance for Bardet-Biedl syndrome. Last evaluated: 2022-08-16. Review status: criteria provided, single submitter. Criteria: Invitae Variant Classification Sherloc (09022015). Collection method: clinical testing. Allele origin: germline.
Comment: This sequence change replaces lysine, which is basic and polar, with arginine, which is basic and polar, at codon 456 of the BBS9 protein (p.Lys456Arg). This variant is not present in population databases (gnomAD no frequency). This variant has not been reported in the literature in individuals affected with BBS9-related conditions. ClinVar contains an entry for this variant (Variation ID: 1394179). Algorithms developed to predict the effect of missense changes on protein structure and function output the following: SIFT: "Deleterious"; PolyPhen-2: "Benign"; Align-GVGD: "Class C25". The arginine amino acid residue is found in multiple mammalian species, which suggests that this missense change does not adversely affect protein function. In summary, the available evidence is currently insufficient to determine the role of this variant in disease. Therefore, it has been classified as a Variant of Uncertain Significance.